The following is an entry in ClinVar:

ClinVar aggregate classification (germline): Pathogenic (1 of 4 stars; one submission).

Submission:

Labcorp Genetics (formerly Invitae), Labcorp
Classification: Pathogenic. Last evaluated: 2024-01-12. Review status: criteria provided, single submitter. Criteria: Invitae Variant Classification Sherloc (09022015). Collection method: clinical testing. Allele origin: germline.
Comment: This sequence change creates a premature translational stop signal (p.Thr1112Profs*5) in the LRP2 gene. It is expected to result in an absent or disrupted protein product. Loss-of-function variants in LRP2 are known to be pathogenic (PMID: 17632512, 25682901). This variant is not present in population databases (gnomAD no frequency). This variant has not been reported in the literature in individuals affected with LRP2-related conditions. For these reasons, this variant has been classified as Pathogenic.

Literature cited by the submitters: PubMed 17632512; PubMed 25682901.

NM_004525.3(LRP2):c.3334_3335del (p.Thr1112fs)

Gene: LRP2 (LDL receptor related protein 2; minus strand). Cytogenetic location: 2q31.1.
Variant type: Microsatellite.
Coding change: c.3334_3335del on transcript NM_004525.3 (MANE Select); coding-DNA positions 3334 to 3335, 2 bases deleted (AC; older notation c.3334_3335delAC).
Protein change: p.Thr1112fs; shifts the reading frame from threonine 1112.
Molecular consequence: frameshift variant.
Genome position (GRCh38, 1-based): chr2:169,244,788-169,244,789, GT deleted on the plus strand (AC on the coding strand, the reverse complement: LRP2 is on the minus strand); deleting any 2 consecutive bases within chr2:169,244,788-169,244,791 gives the same sequence; the c. name uses the placement nearest the transcript's 3' end. VCF-style (leftmost placement, unchanged base first): chr2-169244787-GGT-G. GRCh37 (hg19) VCF-style: chr2-170101297-GGT-G.
Other names: short protein forms T1112fs.
Identifiers: ClinVar variation 2709127 (VCV002709127.3), dbSNP rs2528389720, ClinGen allele CA2697551271.